The following is an entry in ClinVar:

ClinVar aggregate classification (germline): Uncertain significance. Review status: criteria provided, multiple submitters, no conflicts (2 of 4 stars). 3 submissions from 3 submitters: Uncertain significance (3). Last evaluated 2025-02-27.

Conditions:
Cardiovascular phenotype. Identifiers: MedGen CN230736.
Hypertrophic cardiomyopathy. Also called: HYPERTROPHIC MYOCARDIOPATHY. Identifiers: Orphanet 217569, MedGen C0007194, MeSH D002312, MONDO:0005045, HP:0001639.

Submissions (3):

Ambry Genetics
Classification: Uncertain significance for Cardiovascular phenotype. Last evaluated: 2025-02-27. Review status: criteria provided, single submitter. Criteria: Ambry Variant Classification Scheme 2023. Collection method: clinical testing. Allele origin: germline.
Comment: The p.P677S variant (also known as c.2029C>T), located in coding exon 21 of the MYBPC3 gene, results from a C to T substitution at nucleotide position 2029. The proline at codon 677 is replaced by serine, an amino acid with similar properties. This variant has been reported in a hypertrophic cardiomyopathy (HCM) cohort (Lopes LR et al. Eur Heart J, 2021 Aug;42:3063-3073). This amino acid position is highly conserved in available vertebrate species. In addition, this alteration is predicted to be deleterious by in silico analysis. Based on the available evidence, the clinical significance of this variant remains unclear.

Labcorp Genetics (formerly Invitae), Labcorp
Classification: Uncertain significance for Hypertrophic cardiomyopathy. Last evaluated: 2022-11-22. Review status: criteria provided, single submitter. Criteria: Invitae Variant Classification Sherloc (09022015). Collection method: clinical testing. Allele origin: germline.
Comment: This sequence change replaces proline, which is neutral and non-polar, with serine, which is neutral and polar, at codon 677 of the MYBPC3 protein (p.Pro677Ser). This variant is not present in population databases (gnomAD no frequency). Algorithms developed to predict the effect of missense changes on protein structure and function (SIFT, PolyPhen-2, Align-GVGD) all suggest that this variant is likely to be disruptive. In summary, the available evidence is currently insufficient to determine the role of this variant in disease. Therefore, it has been classified as a Variant of Uncertain Significance. This variant has not been reported in the literature in individuals affected with MYBPC3-related conditions.

Blueprint Genetics
Classification: Uncertain significance. Last evaluated: 2017-11-20. Review status: criteria provided, single submitter. Criteria: ACMG Guidelines, 2015. Collection method: clinical testing. Allele origin: germline.

Literature cited by the submitters: PubMed 34263907 (cited by Ambry Genetics).

NM_000256.3(MYBPC3):c.2029C>T (p.Pro677Ser)

Gene: MYBPC3 (myosin binding protein C3; minus strand). Cytogenetic location: 11p11.2.
Variant type: single nucleotide variant.
Coding change: c.2029C>T on transcript NM_000256.3 (MANE Select); coding-DNA position 2029, C replaced by T.
Protein change: p.Pro677Ser; replaces proline 677 with serine.
Molecular consequence: missense variant.
Genome position (GRCh38, 1-based): chr11:47,339,689, G>A on the plus strand (C>T on the coding strand, the complement: MYBPC3 is on the minus strand). VCF-style: chr11-47339689-G-A. GRCh37 (hg19) VCF-style: chr11-47361240-G-A.
Other names: short protein forms P677S.
Identifiers: ClinVar variation 2865868 (VCV002865868.5), dbSNP rs866115226, ClinGen allele CA221691171.